The following is an entry in ClinVar:

ClinVar aggregate classification (germline): Uncertain significance. Review status: criteria provided, multiple submitters, no conflicts (2 of 4 stars). 2 submissions from 2 submitters: Uncertain significance (2). Last evaluated 2026-06-16.

Conditions:
Hereditary cancer-predisposing syndrome. Also called: Tumor predisposition; Hereditary neoplastic syndrome; Neoplastic Syndromes, Hereditary; Hereditary Cancer Syndrome. Identifiers: Orphanet 140162, MedGen C0027672, MeSH D009386, MONDO:0015356.

Allele frequency attached by ClinVar (database versions not stated): TOPMed below 0.00001; gnomAD 0.00001.
gnomAD v4.1: 1 of 1,612,902 alleles (0.000062%); highest among the groups gnomAD compares: Non-Finnish European, 0.000085%; no homozygotes.

Submissions (2):

Ambry Genetics
Classification: Uncertain significance for Hereditary cancer-predisposing syndrome. Last evaluated: 2026-06-16. Review status: criteria provided, single submitter. Criteria: Ambry Variant Classification Scheme 2023. Collection method: clinical testing. Allele origin: germline.
Comment: The p.N496I variant (also known as c.1487A>T), located in coding exon 10 of the RAD50 gene, results from an A to T substitution at nucleotide position 1487. The asparagine at codon 496 is replaced by isoleucine, an amino acid with dissimilar properties. This amino acid position is conserved. In addition, this alteration is predicted to be tolerated by in silico analysis. Based on the available evidence, the clinical significance of this variant remains unclear.

Labcorp Genetics (formerly Invitae), Labcorp
Classification: Uncertain significance for Hereditary cancer-predisposing syndrome. Last evaluated: 2022-03-09. Review status: criteria provided, single submitter. Criteria: Invitae Variant Classification Sherloc (09022015). Collection method: clinical testing. Allele origin: germline.
Comment: In summary, the available evidence is currently insufficient to determine the role of this variant in disease. Therefore, it has been classified as a Variant of Uncertain Significance. Algorithms developed to predict the effect of missense changes on protein structure and function (SIFT, PolyPhen-2, Align-GVGD) all suggest that this variant is likely to be tolerated. ClinVar contains an entry for this variant (Variation ID: 841769). This variant has not been reported in the literature in individuals affected with RAD50-related conditions. This variant is not present in population databases (gnomAD no frequency). This sequence change replaces asparagine, which is neutral and polar, with isoleucine, which is neutral and non-polar, at codon 496 of the RAD50 protein (p.Asn496Ile).

NM_005732.4(RAD50):c.1487A>T (p.Asn496Ile)

Gene: RAD50 (RAD50 double strand break repair protein; plus strand). Cytogenetic location: 5q31.1.
Variant type: single nucleotide variant.
Coding change: c.1487A>T on transcript NM_005732.4 (MANE Select); coding-DNA position 1487, A replaced by T.
Protein change: p.Asn496Ile; replaces asparagine 496 with isoleucine.
Molecular consequence: missense variant.
Genome position (GRCh38, 1-based): chr5:132,591,258, A>T. VCF-style: chr5-132591258-A-T. GRCh37 (hg19) VCF-style: chr5-131926950-A-T.
Other names: short protein forms N496I.
Identifiers: ClinVar variation 841769 (VCV000841769.11), dbSNP rs876658141, ClinGen allele CA360945554.
Genomic context (GRCh38, chr5:132,591,258, plus strand): 5'-TTGCATTTGTATGAATTATTGACTAGGAACGTGAGTTAAGCAAGGCTGAGAAAAACAGCA[A>T]TGTAGAAACCTTAAAAATGGAAGTAATAAGTCTCCAAAATGAAAAAGCAGACTTAGACAG-3'
Protein context (NP_005723.2, residues 486-506): RELSKAEKNS[Asn496Ile]VETLKMEVIS